The following is an entry in ClinVar:

NM_016038.4(SBDS):c.728AAG[1] (p.Glu244del)

Gene: SBDS (SBDS ribosome maturation factor; minus strand). Cytogenetic location: 7q11.21.
Variant type: Microsatellite.
Coding change: c.728AAG[1] on transcript NM_016038.4 (MANE Select); one copy of the 3-base unit AAG starting at c.728; the reference has two copies in a row; one copy, 3 bases deleted.
Protein change: p.Glu244del; deletes glutamic acid 244.
Molecular consequence: inframe deletion.
Genome position (GRCh38, 1-based): chr7:66,988,391-66,988,393, CTT deleted on the plus strand (AAG on the coding strand, the reverse complement: SBDS is on the minus strand); deleting any 3 consecutive bases within chr7:66,988,391-66,988,398 gives the same sequence; the position shown is the placement nearest the transcript's 3' end. VCF-style (leftmost placement, unchanged base first): chr7-66988390-CCTT-C. GRCh37 (hg19) VCF-style: chr7-66453377-CCTT-C.
Other names: NM_016038.4(SBDS):c.728AAG[1]; p.Glu244del; short protein forms E244del.
Identifiers: ClinVar variation 503765 (VCV000503765.3), dbSNP rs779179610, ClinGen allele CA4279100.

ClinVar aggregate classification (germline): Conflicting classifications of pathogenicity. Review status: criteria provided, conflicting classifications (1 of 4 stars). 2 submissions from 2 submitters: Likely pathogenic (1); Uncertain significance (1). Last evaluated 2025-02-05.

Conditions:
Shwachman-Diamond syndrome 1 (SDS1). Also called: LIPOMATOSIS OF PANCREAS, CONGENITAL. Identifiers: MedGen C4692625, MONDO:0044204, OMIM 260400.

Submissions (2):

Broad Center for Mendelian Genomics, Broad Institute of MIT and Harvard
Classification: Uncertain significance for Shwachman-Diamond syndrome 1. Last evaluated: 2025-02-05. Review status: criteria provided, single submitter. Criteria: ACMG Guidelines, 2015. Collection method: curation. Allele origin: germline. Inheritance: Autosomal recessive inheritance.
Comment: The p.Glu244del variant in SBDS has been reported in one individual with Shwachman-Diamond syndrome (PMID: 28102861), and has been identified in 0.003% (2/63502) in European (Finnish) chromosomes by the Genome Aggregation Database (gnomAD; dbSNP rs779179610). Although this variant has been seen in the general population in a heterozygous state, its frequency is low enough to be consistent with a recessive carrier frequency. The presence of a known pseudogene, SBDSP1, can impact the reliability of allele frequencies. This variant has also been reported in ClinVar (Variation ID: 503765) and has been interpreted as likely pathogenic by GeneDx. This variant is a deletion of an amino acid at position 244 and is not predicted to alter the protein reading-frame. This deletion is expected to impact the protein. In summary, the clinical significance of the p.Glu244del variant is uncertain. ACMG/AMP Criteria applied: PM2_supporting, PM4_supporting (Richards 2015).

GeneDx
Classification: Likely pathogenic. Last evaluated: 2017-12-08. Review status: criteria provided, single submitter. Criteria: GeneDx Variant Classification (06012015). Collection method: clinical testing. Allele origin: germline. Affected: yes.
Comment: The c.731_733delAAG variant in the SBDS gene causes an in-frame of codon Glutamic acid 244. The c.731_733delAAG variant has not been published as a pathogenic variant, nor has it been reported as a benign variant to our knowledge. The c.731_733delAAG variant is not observed at a significant frequency in large population cohorts (Lek et al., 2016; 1000 Genomes Consortium et al., 2015; Exome Variant Server). This variant occurs at a position that is conserved across species. In silico analysis predicts this variant is probably damaging to the protein structure/function. Based on the currently available information, c.731_733delAAG is a strong candidate for a pathogenic variant. However, the possibility it may be a rare benign variant cannot be excluded.